The following is an entry in ClinVar:

ClinVar aggregate classification (germline): Benign/Likely benign. Review status: criteria provided, multiple submitters, no conflicts (2 of 4 stars). 3 submissions from 3 submitters: Benign (1); Likely benign (2). Last evaluated 2025-01-09.

Conditions:
Hereditary nonpolyposis colorectal neoplasms. Identifiers: MedGen C0009405, MeSH D003123.
Hereditary cancer-predisposing syndrome. Also called: Tumor predisposition; Neoplastic Syndromes, Hereditary; Hereditary neoplastic syndrome; Hereditary Cancer Syndrome. Identifiers: Orphanet 140162, MedGen C0027672, MeSH D009386, MONDO:0015356.
Lynch syndrome 5 (LYNCH5). Also called: Hereditary non-polyposis colorectal cancer, type 5; Colorectal cancer, hereditary nonpolyposis, type 5. Identifiers: Orphanet 144, MedGen C1833477, MONDO:0013710, OMIM 614350. Disease mechanism: loss of function.

Submissions (3):

Myriad Genetics, Inc.
Classification: Benign for Lynch syndrome 5. Last evaluated: 2025-01-09. Review status: criteria provided, single submitter. Criteria: Myriad Autosomal Dominant, Autosomal Recessive and X-Linked Classification Criteria (2023). Collection method: clinical testing. Allele origin: unknown.
Comment: This variant is considered benign. This variant is a silent/synonymous amino acid change and it is not expected to impact splicing.

Labcorp Genetics (formerly Invitae), Labcorp
Classification: Likely benign for Hereditary nonpolyposis colorectal neoplasms. Last evaluated: 2022-09-30. Review status: criteria provided, single submitter. Criteria: Invitae Variant Classification Sherloc (09022015). Collection method: clinical testing. Allele origin: germline.

Color Diagnostics, LLC DBA Color Health
Classification: Likely benign for Hereditary cancer-predisposing syndrome. Last evaluated: 2017-12-05. Review status: criteria provided, single submitter. Criteria: ACMG Guidelines, 2015. Collection method: clinical testing. Allele origin: germline.

NM_000179.3(MSH6):c.4026G>A (p.Arg1342=)

Gene: MSH6 (mutS homolog 6; plus strand). Cytogenetic location: 2p16.3.
Variant type: single nucleotide variant.
Coding change: c.4026G>A on transcript NM_000179.3 (MANE Select); coding-DNA position 4026, G replaced by A.
Protein change: p.Arg1342=; no amino-acid change (arginine 1342 retained).
Molecular consequence: synonymous variant.
Genome position (GRCh38, 1-based): chr2:47,806,803, G>A. VCF-style: chr2-47806803-G-A. GRCh37 (hg19) VCF-style: chr2-48033942-G-A.
Other names: c.3636G>A, p.Arg1212= (NM_001281492.2); c.3120G>A, p.Arg1040= (NM_001281493.2, NM_001281494.2).
Identifiers: ClinVar variation 630967 (VCV000630967.11), dbSNP rs876659515, ClinGen allele CA426122264.